The following is an entry in ClinVar:

ClinVar aggregate classification (germline): Uncertain significance. Review status: criteria provided, multiple submitters, no conflicts (2 of 4 stars). 2 submissions from 2 submitters: Uncertain significance (2). Last evaluated 2024-09-05.

Allele frequency attached by ClinVar (database versions not stated): gnomAD exomes below 0.00001.
gnomAD v4.1: 2 of 1,605,850 alleles (0.00012%); highest among the groups gnomAD compares: Non-Finnish European, 0.00017%; no homozygotes.

Submissions (2):

Blueprint Genetics
Classification: Uncertain significance. Last evaluated: 2024-09-05. Review status: criteria provided, single submitter. Criteria: ACMG Guidelines, 2015. Collection method: clinical testing. Allele origin: germline.

Labcorp Genetics (formerly Invitae), Labcorp
Classification: Uncertain significance. Last evaluated: 2022-08-16. Review status: criteria provided, single submitter. Criteria: Invitae Variant Classification Sherloc (09022015). Collection method: clinical testing. Allele origin: germline.
Comment: This variant is not present in population databases (gnomAD no frequency). This sequence change replaces serine, which is neutral and polar, with phenylalanine, which is neutral and non-polar, at codon 177 of the COL18A1 protein (p.Ser177Phe). The COL18A1 gene has multiple clinically relevant transcripts. This variant occurs in alternate transcript NM_030582.4, and corresponds to NM_130445.3:c.107-12182C>T in the primary transcript. In summary, the available evidence is currently insufficient to determine the role of this variant in disease. Therefore, it has been classified as a Variant of Uncertain Significance. Experimental studies and prediction algorithms are not available or were not evaluated, and the functional significance of this variant is currently unknown. ClinVar contains an entry for this variant (Variation ID: 1414728). This variant has not been reported in the literature in individuals affected with COL18A1-related conditions.

NM_001379500.1(COL18A1):c.107-12182C>T

Gene: COL18A1 (collagen type XVIII alpha 1 chain; plus strand). Cytogenetic location: 21q22.3.
Variant type: single nucleotide variant.
Coding change: c.107-12182C>T on transcript NM_001379500.1 (MANE Select); 12182 bases into the intron before coding-DNA position 107, C replaced by T.
Molecular consequence: intron variant. On other transcripts: missense variant (2).
Genome position (GRCh38, 1-based): chr21:45,456,060, C>T. VCF-style: chr21-45456060-C-T. GRCh37 (hg19) VCF-style: chr21-46875974-C-T.
Other names: c.530C>T, p.Ser177Phe (NM_030582.4, NM_130444.3); short protein forms S177F.
Identifiers: ClinVar variation 1414728 (VCV001414728.7), dbSNP rs2145852692, ClinGen allele CA410506305.
Genomic context (GRCh38, chr21:45,456,060, plus strand): 5'-CTTCCAGCACCCCCCAGGAGAATGGGACCACTCTCTGGCCCAGCCGTGGCATTCCTAGCT[C>T]TCCGGGCGCCCACACAACCGAGGCTGGCACCTTGCCTGCACCCACCCCATCGCCTCCCTC-3'